The following is an entry in ClinVar:

NM_025137.4(SPG11):c.1819_1822delinsAT (p.Ser607fs)

Gene: SPG11 (SPG11 vesicle trafficking associated, spatacsin; minus strand). Cytogenetic location: 15q21.1.
Variant type: Indel.
Coding change: c.1819_1822delinsAT on transcript NM_025137.4 (MANE Select); coding-DNA positions 1819 to 1822, TCAG replaced by AT.
Protein change: p.Ser607fs; shifts the reading frame from serine 607.
Molecular consequence: frameshift variant.
Genome position (GRCh38, 1-based): chr15:44,629,302-44,629,305, CTGA replaced by AT on the plus strand (TCAG replaced by AT on the coding strand, the reverse complement: SPG11 is on the minus strand). VCF-style: chr15-44629302-CTGA-AT. GRCh37 (hg19) VCF-style: chr15-44921500-CTGA-AT.
Other names: c.1819_1822delinsAT, p.Ser607fs (NM_001160227.2); c.1819_1822delTCAGinsAT, p.Ser607Ilefs (NM_001411132.1); short protein forms S607fs.
Identifiers: ClinVar variation 1780713 (VCV001780713.3), dbSNP rs2505601720, ClinGen allele CA2580089449.
Genomic context (GRCh38, chr15:44,629,302, plus strand): 5'-GAATGAAAAGCTCCTTTATTTGGTTGTTAAGGAAAGACAGTGTAAGATTAAGCAATTGTT[CTGA>AT]AAAGTGTTTGCTTTGGGGTTCAGAATAACTTTCTCTAATTGCCGAGCAAAGTAAATCCAA-3'

ClinVar aggregate classification (germline): Pathogenic/Likely pathogenic. Review status: criteria provided, multiple submitters, no conflicts (2 of 4 stars). 2 submissions from 2 submitters: Pathogenic (1); Likely pathogenic (1). Last evaluated 2024-04-27.

Conditions:
Hereditary spastic paraplegia 11. Also called: SPASTIC PARAPLEGIA, AUTOSOMAL RECESSIVE, COMPLICATED, WITH THIN CORPUS CALLOSUM; SPASTIC PARAPLEGIA, AUTOSOMAL RECESSIVE, WITH MENTAL IMPAIRMENT AND THIN CORPUS CALLOSUM; Nakamura Osame syndrome; Autosomal recessive hereditary spastic paraplegia, mental impairment, and thin corpus callosum; Spastic paraplegia, mental retardation and thin corpus callosum; Spastic Paraplegia 11. Identifiers: Orphanet 2822, MedGen C1858479, MONDO:0011445, OMIM 604360.
Charcot-Marie-Tooth disease axonal type 2X. Also called: CHARCOT-MARIE-TOOTH DISEASE, AXONAL, AUTOSOMAL RECESSIVE, TYPE 2X; CHARCOT-MARIE-TOOTH NEUROPATHY, TYPE 2X. Identifiers: Orphanet 466775, MedGen C5569024, MONDO:0014726, OMIM 616668.
Amyotrophic lateral sclerosis type 5 (ALS5). Also called: AMYOTROPHIC LATERAL SCLEROSIS 5, JUVENILE. Identifiers: Orphanet 300605, MedGen C1865864, MONDO:0011196, OMIM 602099.
Inborn genetic diseases. Identifiers: MedGen C0950123, MeSH D030342.

Submissions (2):

Fulgent Genetics
Classification: Likely pathogenic for Amyotrophic lateral sclerosis type 5; Hereditary spastic paraplegia 11; Charcot-Marie-Tooth disease axonal type 2X. Last evaluated: 2024-04-27. Review status: criteria provided, single submitter. Criteria: ACMG Guidelines, 2015. Collection method: clinical testing. Allele origin: germline.

Ambry Genetics
Classification: Pathogenic for Inborn genetic diseases. Last evaluated: 2021-10-04. Review status: criteria provided, single submitter. Criteria: Ambry Variant Classification Scheme 2023. Collection method: clinical testing. Allele origin: germline.
Comment: The c.1819_1822delTCAGinsAT pathogenic mutation, located in coding exon 9 of the SPG11 gene, results from the deletion of 4 nucleotides and insertion of two nucleotides causing a translational frameshift with a predicted alternate stop codon (p.S607Ifs*5). This variant is considered to be rare based on population cohorts in the Genome Aggregation Database (gnomAD). This alteration is expected to result in loss of function by premature protein truncation or nonsense-mediated mRNA decay. As such, this alteration is interpreted as a disease-causing mutation.